The following is an entry in ClinVar:

ClinVar aggregate classification (germline): Pathogenic (1 of 4 stars; one submission).

Conditions:
Primary ciliary dyskinesia. Also called: Ciliary dyskinesia. Identifiers: Orphanet 244, MedGen C0008780, MONDO:0016575, HP:0012265.

Submission:

Labcorp Genetics (formerly Invitae), Labcorp
Classification: Pathogenic for Primary ciliary dyskinesia. Last evaluated: 2025-09-28. Review status: criteria provided, single submitter. Criteria: Invitae Variant Classification Sherloc (09022015). Collection method: clinical testing. Allele origin: germline.
Comment: This sequence change creates a premature translational stop signal (p.Cys156*) in the DNAAF5 gene. It is expected to result in an absent or disrupted protein product. Loss-of-function variants in DNAAF5 are known to be pathogenic (PMID: 24307375, 25232951). This variant is not present in population databases (gnomAD no frequency). This variant has not been reported in the literature in individuals affected with DNAAF5-related conditions. For these reasons, this variant has been classified as Pathogenic.

Literature cited by the submitters: PubMed 24307375; PubMed 25232951.

NM_017802.4(DNAAF5):c.468C>A (p.Cys156Ter)

Genes: DNAAF5 (dynein axonemal assembly factor 5; plus strand), PRKAR1B (protein kinase cAMP-dependent type I regulatory subunit beta; minus strand). Cytogenetic location: 7p22.3.
Variant type: single nucleotide variant.
Coding change: c.468C>A on transcript NM_017802.4 (MANE Select); coding-DNA position 468, C replaced by A.
Protein change: p.Cys156Ter; replaces cysteine 156 with a stop codon.
Molecular consequence: nonsense. On other transcripts: non-coding transcript variant (1), intron variant (3).
Genome position (GRCh38, 1-based): chr7:727,188, C>A. VCF-style: chr7-727188-C-A. GRCh37 (hg19) VCF-style: chr7-766825-C-A.
Other names: c.-23+467G>T (NM_001164759.1); c.-23+402G>T (NM_001164758.2); c.-23+22G>T (NM_001164760.2); short protein forms C156*.
Identifiers: ClinVar variation 4728033 (VCV004728033.1).
Genomic context (GRCh38, chr7:727,188, plus strand): 5'-GGCCTGTGAGGAGCTGCGCCTGGCGCTTGTGCAGCTGCTGGGCCTGGCCGTGGACCTGTG[C>A]GGCGCCGCGCTCGCGCCCCACCTGGACGACGCTCTGCGCGCGCTGCGCTGCTCCCTGCTC-3'